The following is an entry in ClinVar:

ClinVar aggregate classification (germline): Uncertain significance (1 of 4 stars; one submission).

Allele frequency attached by ClinVar (database versions not stated): gnomAD exomes below 0.00001; TOPMed below 0.00001.
gnomAD v4.1: 3 of 1,572,006 alleles (0.00019%); highest among the groups gnomAD compares: South Asian, 0.0023%; no homozygotes.

Submission:

Labcorp Genetics (formerly Invitae), Labcorp
Classification: Uncertain significance. Last evaluated: 2025-11-08. Review status: criteria provided, single submitter. Criteria: Invitae Variant Classification Sherloc (09022015). Collection method: clinical testing. Allele origin: germline.
Comment: This sequence change replaces glycine, which is neutral and non-polar, with aspartic acid, which is acidic and polar, at codon 22 of the IL6ST protein (p.Gly22Asp). This variant is present in population databases (no rsID available, gnomAD 0.004%). This variant has not been reported in the literature in individuals affected with IL6ST-related conditions. ClinVar contains an entry for this variant (Variation ID: 2832140). An algorithm developed to predict the effect of missense changes on protein structure and function outputs the following: PolyPhen-2: "Benign". The aspartic acid amino acid residue is found in multiple mammalian species, which suggests that this missense change does not adversely affect protein function. Algorithms developed to predict the effect of sequence changes on RNA splicing suggest that this variant may disrupt the consensus splice site. In summary, the available evidence is currently insufficient to determine the role of this variant in disease. Therefore, it has been classified as a Variant of Uncertain Significance.

NM_002184.4(IL6ST):c.65G>A (p.Gly22Asp)

Gene: IL6ST (interleukin 6 cytokine family signal transducer; minus strand). Cytogenetic location: 5q11.2.
Variant type: single nucleotide variant.
Coding change: c.65G>A on transcript NM_002184.4 (MANE Select); coding-DNA position 65, G replaced by A.
Protein change: p.Gly22Asp; replaces glycine 22 with aspartic acid.
Molecular consequence: missense variant. On other transcripts: 5 prime UTR variant (3), non-coding transcript variant (2).
Genome position (GRCh38, 1-based): chr5:55,969,855, C>T on the plus strand (G>A on the coding strand, the complement: IL6ST is on the minus strand). VCF-style: chr5-55969855-C-T. GRCh37 (hg19) VCF-style: chr5-55265683-C-T.
Other names: c.65G>A, p.Gly22Asp (NM_001190981.2, NM_001364275.2, NM_001364276.2 and 1 more transcripts); c.-728G>A (NM_001364277.2, NM_001364279.2); c.-718G>A (NM_001364278.2); short protein forms G22D.
Identifiers: ClinVar variation 2832140 (VCV002832140.3), dbSNP rs1048494423, ClinGen allele CA119053216.